The following is an entry in ClinVar:

NM_002180.3(IGHMBP2):c.2056G>A (p.Ala686Thr)

Gene: IGHMBP2 (immunoglobulin mu DNA binding protein 2; plus strand). Cytogenetic location: 11q13.3.
Variant type: single nucleotide variant.
Coding change: c.2056G>A on transcript NM_002180.3 (MANE Select); coding-DNA position 2056, G replaced by A.
Protein change: p.Ala686Thr; replaces alanine 686 with threonine.
Molecular consequence: missense variant.
Genome position (GRCh38, 1-based): chr11:68,936,536, G>A. VCF-style: chr11-68936536-G-A. GRCh37 (hg19) VCF-style: chr11-68704004-G-A.
Other names: short protein forms A686T.
Identifiers: ClinVar variation 1042788 (VCV001042788.9), dbSNP rs1859535898, ClinGen allele CA381652718.

ClinVar aggregate classification (germline): Uncertain significance (1 of 4 stars; one submission).

Conditions:
Autosomal recessive distal spinal muscular atrophy 1. Also called: SEVERE INFANTILE AXONAL NEUROPATHY WITH RESPIRATORY FAILURE; Spinal muscular atrophy with respiratory distress 1; HMN VI; NEURONOPATHY, SEVERE INFANTILE AXONAL, WITH RESPIRATORY FAILURE; SPINAL MUSCULAR ATROPHY, DIAPHRAGMATIC; NEURONOPATHY, DISTAL HEREDITARY MOTOR, HARDING TYPE VI. Identifiers: Orphanet 98920, MedGen C1858517, MONDO:0011436, OMIM 604320.
Charcot-Marie-Tooth disease axonal type 2S. Also called: CHARCOT-MARIE-TOOTH NEUROPATHY, TYPE 2S; CHARCOT-MARIE-TOOTH DISEASE, AXONAL, AUTOSOMAL RECESSIVE, TYPE 2S. Identifiers: Orphanet 443073, MedGen C4015349, MONDO:0014511, OMIM 616155.

Submission:

Labcorp Genetics (formerly Invitae), Labcorp
Classification: Uncertain significance for Autosomal recessive distal spinal muscular atrophy 1; Charcot-Marie-Tooth disease axonal type 2S. Last evaluated: 2020-09-03. Review status: criteria provided, single submitter. Criteria: Invitae Variant Classification Sherloc (09022015). Collection method: clinical testing. Allele origin: germline.
Comment: In summary, the available evidence is currently insufficient to determine the role of this variant in disease. Therefore, it has been classified as a Variant of Uncertain Significance. Advanced modeling of protein sequence and biophysical properties (such as structural, functional, and spatial information, amino acid conservation, physicochemical variation, residue mobility, and thermodynamic stability) performed at Invitae indicates that this missense variant is not expected to disrupt IGHMBP2 protein function. This variant has not been reported in the literature in individuals with IGHMBP2-related conditions. This variant is not present in population databases (ExAC no frequency). This sequence change replaces alanine with threonine at codon 686 of the IGHMBP2 protein (p.Ala686Thr). The alanine residue is weakly conserved and there is a small physicochemical difference between alanine and threonine.